The following is an entry in ClinVar:

ClinVar aggregate classification (germline): Uncertain significance (1 of 4 stars; one submission).

Conditions:
Microphthalmia, isolated, with coloboma 6 (MCOPCB6). Also called: MICROPHTHALMIA/COLOBOMA 6; Microphthalmia with coloboma 6, digenic; Microphthalmia with coloboma 6. Identifiers: Orphanet 98938, MedGen C3150968, MONDO:0013376, OMIM 613703.
Klippel-Feil syndrome 1, autosomal dominant (KFS1). Also called: CERVICAL VERTEBRAL FUSION, AUTOSOMAL DOMINANT. Identifiers: Orphanet 2345, MedGen C1861689, MONDO:0007306, OMIM 118100.
Leber congenital amaurosis 17 (LCA17). Identifiers: Orphanet 65, MedGen C3715164, MONDO:0014145, OMIM 615360.
Isolated microphthalmia 4. Identifiers: Orphanet 2542, MedGen C2751307, MONDO:0013130, OMIM 613094.

Submission:

Labcorp Genetics (formerly Invitae), Labcorp
Classification: Uncertain significance for Isolated microphthalmia 4; Leber congenital amaurosis 17; Klippel-Feil syndrome 1, autosomal dominant; Microphthalmia, isolated, with coloboma 6. Last evaluated: 2022-10-08. Review status: criteria provided, single submitter. Criteria: Invitae Variant Classification Sherloc (09022015). Collection method: clinical testing. Allele origin: germline.
Comment: This sequence change replaces alanine, which is neutral and non-polar, with glutamic acid, which is acidic and polar, at codon 82 of the GDF6 protein (p.Ala82Glu). This variant is not present in population databases (gnomAD no frequency). This variant has not been reported in the literature in individuals affected with GDF6-related conditions. Advanced modeling of protein sequence and biophysical properties (such as structural, functional, and spatial information, amino acid conservation, physicochemical variation, residue mobility, and thermodynamic stability) performed at Invitae indicates that this missense variant is not expected to disrupt GDF6 protein function. In summary, the available evidence is currently insufficient to determine the role of this variant in disease. Therefore, it has been classified as a Variant of Uncertain Significance.

NM_001001557.4(GDF6):c.245C>A (p.Ala82Glu)

Gene: GDF6 (growth differentiation factor 6; minus strand). Cytogenetic location: 8q22.1.
Variant type: single nucleotide variant.
Coding change: c.245C>A on transcript NM_001001557.4 (MANE Select); coding-DNA position 245, C replaced by A.
Protein change: p.Ala82Glu; replaces alanine 82 with glutamic acid.
Molecular consequence: missense variant.
Genome position (GRCh38, 1-based): chr8:96,160,448, G>T on the plus strand (C>A on the coding strand, the complement: GDF6 is on the minus strand). VCF-style: chr8-96160448-G-T. GRCh37 (hg19) VCF-style: chr8-97172676-G-T.
Other names: short protein forms A82E.
Identifiers: ClinVar variation 2014568 (VCV002014568.4), dbSNP rs988646683, ClinGen allele CA371753654.